The following is an entry in ClinVar:

NM_004006.3(DMD):c.1482+314G>T

Gene: DMD (dystrophin; minus strand). Cytogenetic location: Xp21.1.
Variant type: single nucleotide variant.
Coding change: c.1482+314G>T on transcript NM_004006.3 (MANE Select); 314 bases into the intron after coding-DNA position 1482, G replaced by T.
Molecular consequence: intron variant.
Genome position (GRCh38, 1-based): chrX:32,613,989, C>A on the plus strand (G>T on the coding strand, the complement: DMD is on the minus strand). VCF-style: chrX-32613989-C-A. GRCh37 (hg19) VCF-style: chrX-32632106-C-A.
Other names: c.1458+314G>T (NM_000109.4); c.1470+314G>T (NM_004009.3); c.1113+314G>T (NM_004010.3).
Identifiers: ClinVar variation 3049514 (VCV003049514.2), dbSNP rs190226993, ClinGen allele CA328539584.
Genomic context (GRCh38, chrX:32,613,989, plus strand): 5'-GTTAGCATCTGGTGAGGGCCTTTTCACAGAGTTTTCACATGGTGGTGCATGGTGGAGGGT[C>A]AAGAGATAGGAGAACACTGTGTGAAGCCTCTTTTATATGGGACTTGATCCTATTCTTAAG-3'

ClinVar aggregate classification (germline): Likely benign (0 of 4 stars; one submission).

Conditions:
DMD-related disorder. Also called: DMD-related condition.

Allele frequency attached by ClinVar (database versions not stated): 1000 Genomes Project 0.00132; 1000 Genomes Project 30x 0.00146; gnomAD 0.00186; TOPMed 0.00200.

Submission:

PreventionGenetics, part of Exact Sciences
Classification: Likely benign for DMD-related condition. Last evaluated: 2023-05-05. Review status: no assertion criteria provided. Collection method: clinical testing. Allele origin: germline.
Comment: This variant is classified as likely benign based on ACMG/AMP sequence variant interpretation guidelines (Richards et al. 2015 PMID: 25741868, with internal and published modifications).